The following is an entry in ClinVar:

NM_001378778.1(MPDZ):c.1557A>G (p.Leu519=)

Gene: MPDZ (multiple PDZ domain crumbs cell polarity complex component; minus strand). Cytogenetic location: 9p23.
Variant type: single nucleotide variant.
Coding change: c.1557A>G on transcript NM_001378778.1 (MANE Select); coding-DNA position 1557, A replaced by G.
Protein change: p.Leu519=; no amino-acid change (leucine 519 retained).
Molecular consequence: synonymous variant.
Genome position (GRCh38, 1-based): chr9:13,196,220, T>C on the plus strand (A>G on the coding strand, the complement: MPDZ is on the minus strand). VCF-style: chr9-13196220-T-C. GRCh37 (hg19) VCF-style: chr9-13196219-T-C.
Other names: c.1557A>G, p.Leu519= (NM_001261406.2, NM_001261407.2, NM_001330637.2 and 14 more transcripts).
Identifiers: ClinVar variation 5039783 (VCV005039783.1).

ClinVar aggregate classification (germline): Likely benign (1 of 4 stars; one submission).

Submission:

CeGaT Center for Human Genetics Tuebingen
Classification: Likely benign. Last evaluated: 2026-08-01. Review status: criteria provided, single submitter. Criteria: CeGaT Center For Human Genetics Tuebingen Variant Classification Criteria Version 2. Collection method: clinical testing. Allele origin: germline. Affected: yes. Observed: 1 variant allele.
Comment: MPDZ: PM2:Supporting, BP4, BP7